The following is an entry in ClinVar:

NM_004525.3(LRP2):c.9484G>A (p.Val3162Ile)

Gene: LRP2 (LDL receptor related protein 2; minus strand). Cytogenetic location: 2q31.1.
Variant type: single nucleotide variant.
Coding change: c.9484G>A on transcript NM_004525.3 (MANE Select); coding-DNA position 9484, G replaced by A.
Protein change: p.Val3162Ile; replaces valine 3162 with isoleucine.
Molecular consequence: missense variant.
Genome position (GRCh38, 1-based): chr2:169,185,864, C>T on the plus strand (G>A on the coding strand, the complement: LRP2 is on the minus strand). VCF-style: chr2-169185864-C-T. GRCh37 (hg19) VCF-style: chr2-170042374-C-T.
Other names: short protein forms V3162I.
Identifiers: ClinVar variation 3257335 (VCV003257335.17).
Genomic context (GRCh38, chr2:169,185,864, plus strand): 5'-AGCCTGGGGCACACTTACAGATGTAGGAGCCTATTACATTCTCACACTTCTGGCTACAGA[C>T]AAAAGGCATCTCTGTGCATTCATCAATATCAACACAAGTCCGCTTGTCAGACATGAGCTT-3'
Protein context (NP_004516.2, residues 3152-3172): DIDECTEMPF[Val3162Ile]CSQKCENVIG

ClinVar aggregate classification (germline): Uncertain significance (1 of 4 stars; one submission).

gnomAD v4.1: 1 of 1,614,018 alleles (0.000062%); highest among the groups gnomAD compares: Non-Finnish European, 0.000085%; no homozygotes.

Submission:

CeGaT Center for Human Genetics Tuebingen
Classification: Uncertain significance. Last evaluated: 2024-07-01. Review status: criteria provided, single submitter. Criteria: CeGaT Center For Human Genetics Tuebingen Variant Classification Criteria Version 2. Collection method: clinical testing. Allele origin: germline. Affected: yes. Observed: 1 variant allele.
Comment: LRP2: PM2, BP4